The following is an entry in ClinVar:

NM_005902.4(SMAD3):c.484G>A (p.Glu162Lys)

Gene: SMAD3 (SMAD family member 3; plus strand). Cytogenetic location: 15q22.33.
Variant type: single nucleotide variant.
Coding change: c.484G>A on transcript NM_005902.4 (MANE Select); coding-DNA position 484, G replaced by A.
Protein change: p.Glu162Lys; replaces glutamic acid 162 with lysine.
Molecular consequence: missense variant. On other transcripts: intron variant (2).
Genome position (GRCh38, 1-based): chr15:67,165,336, G>A. VCF-style: chr15-67165336-G-A. GRCh37 (hg19) VCF-style: chr15-67457674-G-A.
Other names: c.400+248G>A (NM_001407012.1); c.85+248G>A (NM_001407015.1); c.169G>A, p.Glu57Lys (NM_001145102.2, NM_001407016.1); c.352G>A, p.Glu118Lys (NM_001145103.2); c.484G>A, p.Glu162Lys (NM_001407011.1, NM_001407013.1); c.337G>A, p.Glu113Lys (NM_001407014.1); short protein forms E113K, E118K, E162K, E57K.
Identifiers: ClinVar variation 3070740 (VCV003070740.5), dbSNP rs749178459, ClinGen allele CA062278.

ClinVar aggregate classification (germline): Uncertain significance. Review status: criteria provided, multiple submitters, no conflicts (2 of 4 stars). 3 submissions from 3 submitters: Uncertain significance (3). Last evaluated 2025-06-11.

Conditions:
Aneurysm-osteoarthritis syndrome. Also called: SMAD3-Related Loeys-Dietz Syndrome; ANEURYSMS-OSTEOARTHRITIS SYNDROME; Loeys-Dietz syndrome, type 1C; LOEYS-DIETZ SYNDROME WITH OSTEOARTHRITIS. Identifiers: Orphanet 284984, MedGen C3151087, MONDO:0013426, OMIM 613795.
Familial thoracic aortic aneurysm and aortic dissection (TAAD). Also called: Thoracic aortic aneurysms and dissections. Identifiers: Orphanet 91387, MedGen C4707243, MONDO:0019625.

Allele frequency attached by ClinVar (database versions not stated): TOPMed 0.00001; gnomAD exomes below 0.00001; ExAC 0.00001.
gnomAD v4.1: 5 of 1,614,112 alleles (0.00031%); highest among the groups gnomAD compares: East Asian, 0.0022%; no homozygotes.

Submissions (3):

Color Diagnostics, LLC DBA Color Health
Classification: Uncertain significance for Familial thoracic aortic aneurysm and aortic dissection. Last evaluated: 2025-06-11. Review status: criteria provided, single submitter. Criteria: ACMG Guidelines, 2015. Collection method: clinical testing. Allele origin: germline.
Comment: This missense variant replaces glutamic acid with lysine at codon 162 of the SMAD3 protein. Computational prediction tool is inconclusive regarding the impact of this variant on protein structure and function. To our knowledge, functional studies have not been reported for this variant. This variant has not been reported in individuals affected with SMAD3-related disorders in the literature. This variant has been identified in 1/251442 chromosomes in the general population by the Genome Aggregation Database (gnomAD). The available evidence is insufficient to determine the role of this variant in disease conclusively. Therefore, this variant is classified as a Variant of Uncertain Significance.

All of Us Research Program, National Institutes of Health
Classification: Uncertain significance for Aneurysm-osteoarthritis syndrome. Last evaluated: 2024-04-16. Review status: criteria provided, single submitter. Criteria: ACMG Guidelines, 2015. Collection method: clinical testing. Allele origin: germline. Inheritance: Autosomal dominant inheritance. Observed: 2 variant alleles, 2 heterozygotes.
Comment: This missense variant replaces glutamic acid with lysine at codon 162 of the SMAD3 protein. Computational prediction is inconclusive regarding the impact of this variant on protein structure and function (internally defined REVEL score threshold 0.5 < inconclusive < 0.7, PMID: 27666373). To our knowledge, functional studies have not been reported for this variant. This variant has not been reported in individuals affected with SMAD3-related disorders in the literature. This variant has been identified in 1/251442 chromosomes in the general population by the Genome Aggregation Database (gnomAD). The available evidence is insufficient to determine the role of this variant in disease conclusively. Therefore, this variant is classified as a Variant of Uncertain Significance.

This study involves interpretation of variants in research participants for the purpose of population health screening. Participant phenotype was not available at the time of variant classification. Additional details can be found in publication PMID: 35346344, PMCID: PMC8962531

Labcorp Genetics (formerly Invitae), Labcorp
Classification: Uncertain significance for Familial thoracic aortic aneurysm and aortic dissection. Last evaluated: 2024-04-03. Review status: criteria provided, single submitter. Criteria: Invitae Variant Classification Sherloc (09022015). Collection method: clinical testing. Allele origin: germline.
Comment: This sequence change replaces glutamic acid, which is acidic and polar, with lysine, which is basic and polar, at codon 162 of the SMAD3 protein (p.Glu162Lys). This variant is present in population databases (rs749178459, gnomAD 0.003%). This variant has not been reported in the literature in individuals affected with SMAD3-related conditions. Advanced modeling of protein sequence and biophysical properties (such as structural, functional, and spatial information, amino acid conservation, physicochemical variation, residue mobility, and thermodynamic stability) performed at Invitae indicates that this missense variant is not expected to disrupt SMAD3 protein function with a negative predictive value of 80%. In summary, the available evidence is currently insufficient to determine the role of this variant in disease. Therefore, it has been classified as a Variant of Uncertain Significance.